The following is an entry in ClinVar:

ClinVar aggregate classification (germline): Conflicting classifications of pathogenicity. Review status: criteria provided, conflicting classifications (1 of 4 stars). 2 submissions from 1 submitter: Uncertain significance (1); Likely benign (1). Last evaluated 2018-01-13.

Conditions:
Peroxisome biogenesis disorder 9B. Also called: Refsum disease, adult, 2; PEX7-Related Refsum Disease; PEROXISOME BIOGENESIS DISORDER, PEX7-RELATED, ATYPICAL. Identifiers: Orphanet 773, MedGen C2749346, MONDO:0013945, OMIM 614879.
Rhizomelic chondrodysplasia punctata type 1 (RCDP1). Also called: CHONDRODYSTROPHIA CALCIFICANS PUNCTATA; PEX7-Related Rhizomelic Chondrodysplasia Punctata; PEROXISOME BIOGENESIS DISORDER 9. Identifiers: Orphanet 177, Orphanet 309789, MedGen C1859133, MONDO:0008972, OMIM 215100. Disease mechanism: loss of function.

Allele frequency attached by ClinVar (database versions not stated): 1000 Genomes Project 0.00100; 1000 Genomes Project 30x 0.00156; gnomAD exomes 0.00180 and 0.00247; gnomAD 0.00188 and 0.00190; ExAC 0.00190; ESP Exome Variant Server 0.00200; TOPMed 0.00253.
gnomAD v4.1: 3,074 of 1,286,756 alleles (0.24%); highest among the groups gnomAD compares: Non-Finnish European, 0.29%; 4 homozygotes.

Submissions (2):

Illumina Laboratory Services, Illumina
Classification: Likely benign for Peroxisome biogenesis disorder 9B. Last evaluated: 2018-01-13. Review status: criteria provided, single submitter. Criteria: ICSL Variant Classification Criteria 13 December 2019. Collection method: clinical testing. Allele origin: germline.
Comment: This variant was observed in the ICSL laboratory as part of a predisposition screen in an ostensibly healthy population. It had not been previously curated by ICSL or reported in the Human Gene Mutation Database (HGMD: prior to June 1st, 2018), and was therefore a candidate for classification through an automated scoring system. Utilizing variant allele frequency, disease prevalence and penetrance estimates, and inheritance mode, an automated score was calculated to assess if this variant is too frequent to cause the disease. Based on the score and internal cut-off values, a variant classified as likely benign is not then subjected to further curation. The score for this variant resulted in a classification of likely benign for this disease.

Illumina Laboratory Services, Illumina
Classification: Uncertain significance for Rhizomelic chondrodysplasia punctata type 1. Last evaluated: 2018-01-13. Review status: criteria provided, single submitter. Criteria: ICSL Variant Classification Criteria 13 December 2019. Collection method: clinical testing. Allele origin: germline.

NM_000288.4(PEX7):c.*38G>A

Gene: PEX7 (peroxisomal biogenesis factor 7; plus strand). Cytogenetic location: 6q23.3.
Variant type: single nucleotide variant.
Coding change: c.*38G>A on transcript NM_000288.4 (MANE Select); 38 bases downstream of the stop codon, G replaced by A.
Molecular consequence: 3 prime UTR variant.
Genome position (GRCh38, 1-based): chr6:136,913,564, G>A. VCF-style: chr6-136913564-G-A. GRCh37 (hg19) VCF-style: chr6-137234702-G-A.
Identifiers: ClinVar variation 355538 (VCV000355538.5), dbSNP rs41288965, ClinGen allele CA4017823.
Genomic context (GRCh38, chr6:136,913,564, plus strand): 5'-CTTGTCTTACTATTCCTGCTTGAGATACACTACTTTGGTCAGAAACAGAGGATGTTGGCT[G>A]AAGAACTGCCTAACAGCAAATAAATTAACTATGGAAAACATAGACATTATGCTTTTATAT-3'